The following is an entry in ClinVar:

NM_001134407.3(GRIN2A):c.2783G>T (p.Gly928Val)

Gene: GRIN2A (glutamate ionotropic receptor NMDA type subunit 2A; minus strand). Cytogenetic location: 16p13.2.
Variant type: single nucleotide variant.
Coding change: c.2783G>T on transcript NM_001134407.3 (MANE Select); coding-DNA position 2783, G replaced by T.
Protein change: p.Gly928Val; replaces glycine 928 with valine.
Molecular consequence: missense variant.
Genome position (GRCh38, 1-based): chr16:9,764,761, C>A on the plus strand (G>T on the coding strand, the complement: GRIN2A is on the minus strand). VCF-style: chr16-9764761-C-A. GRCh37 (hg19) VCF-style: chr16-9858618-C-A.
Other names: c.2783G>T, p.Gly928Val (NM_000833.5, NM_001134408.2); short protein forms G928V.
Identifiers: ClinVar variation 1052832 (VCV001052832.10), dbSNP rs2141137106, ClinGen allele CA394709364.

ClinVar aggregate classification (germline): Uncertain significance. Review status: criteria provided, multiple submitters, no conflicts (2 of 4 stars). 2 submissions from 2 submitters: Uncertain significance (2). Last evaluated 2023-06-13.

Conditions:
Landau-Kleffner syndrome (FESD). Also called: APHASIA, ACQUIRED, WITH EPILEPSY; EPILEPSY, FOCAL, WITH SPEECH DISORDER AND WITH OR WITHOUT MENTAL RETARDATION. Identifiers: Orphanet 1945, Orphanet 725, Orphanet 98818, MedGen C0282512, MONDO:0009509, OMIM 245570.

gnomAD v4.1: 1 of 1,614,186 alleles (0.000062%); highest among the groups gnomAD compares: Non-Finnish European, 0.000085%; no homozygotes.

Submissions (2):

Greenwood Genetic Center Diagnostic Laboratories, Greenwood Genetic Center
Classification: Uncertain significance. Last evaluated: 2023-06-13. Review status: criteria provided, single submitter. Criteria: ACMG Guidelines, 2015. Collection method: clinical testing. Allele origin: germline. Affected: yes.
Comment: PM2

Labcorp Genetics (formerly Invitae), Labcorp
Classification: Uncertain significance for Landau-Kleffner syndrome. Last evaluated: 2020-06-27. Review status: criteria provided, single submitter. Criteria: Invitae Variant Classification Sherloc (09022015). Collection method: clinical testing. Allele origin: germline.
Comment: In summary, the available evidence is currently insufficient to determine the role of this variant in disease. Therefore, it has been classified as a Variant of Uncertain Significance. Algorithms developed to predict the effect of missense changes on protein structure and function are either unavailable or do not agree on the potential impact of this missense change (SIFT: "Deleterious"; PolyPhen-2: "Possibly Damaging"; Align-GVGD: "Class C0"). This variant has not been reported in the literature in individuals with GRIN2A-related conditions. This variant is not present in population databases (ExAC no frequency). This sequence change replaces glycine with valine at codon 928 of the GRIN2A protein (p.Gly928Val). The glycine residue is moderately conserved and there is a moderate physicochemical difference between glycine and valine.